The following is an entry in ClinVar:

ClinVar aggregate classification (germline): Conflicting classifications of pathogenicity. Review status: criteria provided, conflicting classifications (1 of 4 stars). 3 submissions from 3 submitters: Pathogenic (1); Uncertain significance (1). 1 of the submissions does not count toward it. Last evaluated 2023-08-09.

Conditions:
Hearing loss, autosomal recessive. Also called: Rare autosomal recessive non-syndromic sensorineural deafness type DFNB; Nonsyndromic Hearing Loss, Recessive; Deafness, autosomal recessive; Autosomal recessive nonsyndromic deafness. Identifiers: Orphanet 90635, Orphanet 90636, MedGen C1846647, MONDO:0019588, OMIM 607197.
Autosomal recessive nonsyndromic hearing loss 9. Also called: NEUROSENSORY NONSYNDROMIC RECESSIVE DEAFNESS 9; AUDITORY NEUROPATHY, AUTOSOMAL RECESSIVE, 1, TEMPERATURE-SENSITIVE; Deafness, autosomal recessive 9; OTOF-Related Hearing Loss. Identifiers: Orphanet 90636, MedGen C1832828, MONDO:0010986, OMIM 601071.
Nonsyndromic genetic hearing loss. Also called: Nonsyndromic genetic deafness; Nonsyndromic hearing loss and deafness; Non-syndromic genetic deafness. Identifiers: Orphanet 87884, MedGen C5680182, MONDO:0019497.

Submissions (3):

Women's Health and Genetics/Laboratory Corporation of America, LabCorp
Classification: Pathogenic for Nonsyndromic genetic hearing loss. Last evaluated: 2023-08-09. Review status: criteria provided, single submitter. Criteria: LabCorp Variant Classification Summary - May 2015. Collection method: clinical testing. Allele origin: germline.
Comment: Variant summary: OTOF c.2965_2967delTTC (p.Phe989del) results in an in-frame deletion that is predicted to remove one amino acid from the C2 domain (IPR000008) of encoded protein sequence. The variant allele was found at a frequency of 4.1e-06 in 244638 control chromosomes (gnomAD). c.2965_2967delTTC has been reported in the literature in the homozygous state in multiple individuals affected with Nonsyndromic Hearing Loss And Deafness, Type 9 from at least two different consanguineous Pakistani families, at least one of which was well genotyped, undergoing homozygosity mapping, multigene panel testing of multiple family members, and whole exome sequencing in one of the affected probands (e.g. Naz_2017, Richard_2019). These data indicate that the variant is very likely to be associated with disease. To our knowledge, no experimental evidence demonstrating an impact on protein function has been reported. The following publications have been ascertained in the context of this evaluation (PMID: 27573290, 30303587). No submitters have cited clinical-significance assessments for this variant to ClinVar after 2014. Based on the evidence outlined above, the variant was classified as pathogenic.

Baylor-Hopkins Center for Mendelian Genomics, Johns Hopkins University School of Medicine
Classification: Uncertain significance for Autosomal recessive nonsyndromic hearing loss 9. Review status: criteria provided, single submitter. Criteria: ACMG Guidelines, 2015. Collection method: research. Allele origin: unknown. Affected: yes. Observed: 1 variant allele, 1 homozygote.

University of Washington Center for Mendelian Genomics, University of Washington
Classification: Likely pathogenic for non-syndromic autosomal recessive hearing loss. Review status: no assertion criteria provided. Collection method: research. Allele origin: inherited. Affected: yes. Not counted in ClinVar's aggregate classification.

Literature cited by the submitters: PubMed 30303587 (cited by Women's Health and Genetics/Laboratory Corporation of America, LabCorp and University of Washington Center for Mendelian Genomics, University of Washington); PubMed 27573290 (cited by Women's Health and Genetics/Laboratory Corporation of America, LabCorp).

NM_194248.3(OTOF):c.2962TTC[1] (p.Phe989del)

Gene: OTOF (otoferlin; minus strand). Cytogenetic location: 2p23.3.
Variant type: Microsatellite.
Coding change: c.2962TTC[1] on transcript NM_194248.3 (MANE Select); one copy of the 3-base unit TTC starting at c.2962; the reference has two copies in a row; one copy, 3 bases deleted.
Protein change: p.Phe989del; deletes phenylalanine 989.
Molecular consequence: inframe deletion.
Genome position (GRCh38, 1-based): chr2:26,475,938-26,475,940, GAA deleted on the plus strand (TTC on the coding strand, the reverse complement: OTOF is on the minus strand); deleting any 3 consecutive bases within chr2:26,475,938-26,475,945 gives the same sequence; the position shown is the placement nearest the transcript's 3' end. VCF-style (leftmost placement, unchanged base first): chr2-26475937-TGAA-T. GRCh37 (hg19) VCF-style: chr2-26698805-TGAA-T.
Other names: c.2962TTC[1], p.Phe989del (NM_001287489.2); c.721TTC[1], p.Phe242del (NM_004802.4, NM_194323.3); c.892TTC[1], p.Phe299del (NM_194322.3); c.2965_2967delTTC (NM_194248.2); short protein forms F242del, F989del, F299del.
Identifiers: ClinVar variation 634821 (VCV000634821.5), dbSNP rs1423777622, ClinGen allele CA425359896.